The following is an entry in ClinVar:

ClinVar aggregate classification (germline): Uncertain significance. Review status: criteria provided, multiple submitters, no conflicts (2 of 4 stars). 3 submissions from 3 submitters: Uncertain significance (3). Last evaluated 2025-10-25.

Conditions:
Autoinflammatory syndrome. Identifiers: Orphanet 93665, MedGen C3890737, MONDO:0019751.
Mevalonic aciduria (MEVA). Identifiers: Orphanet 29, MedGen C1959626, MONDO:0012481, OMIM 610377.
Hyperimmunoglobulin D with periodic fever (HIDS). Also called: HYPERIMMUNOGLOBULINEMIA D AND PERIODIC FEVER SYNDROME; Hyperimmunoglobulinemia D; Hyperimmunoglobulinemia D with periodic fever. Identifiers: Orphanet 343, MedGen C0398691, MONDO:0009849, OMIM 260920.
Porokeratosis 3, disseminated superficial actinic type (POROK3). Also called: POROKERATOSIS, DISSEMINATED SUPERFICIAL ACTINIC, 1; POROKERATOSIS 3, MULTIPLE TYPES; POROKERATOSIS 3, MIBELLI TYPE. Identifiers: MedGen C1867981, MONDO:0008293, OMIM 175900.

Allele frequency attached by ClinVar (database versions not stated): TOPMed below 0.00001.
gnomAD v4.1: 23 of 1,614,236 alleles (0.0014%); highest among the groups gnomAD compares: Non-Finnish European, 0.0018%; no homozygotes.

Submissions (3):

Labcorp Genetics (formerly Invitae), Labcorp
Classification: Uncertain significance for Mevalonic aciduria; Hyperimmunoglobulin D with periodic fever; Porokeratosis 3, disseminated superficial actinic type. Last evaluated: 2025-10-25. Review status: criteria provided, single submitter. Criteria: Invitae Variant Classification Sherloc (09022015). Collection method: clinical testing. Allele origin: germline.
Comment: This sequence change replaces glutamic acid, which is acidic and polar, with aspartic acid, which is acidic and polar, at codon 281 of the MVK protein (p.Glu281Asp). This variant is present in population databases (rs758317084, gnomAD 0.002%). This variant has not been reported in the literature in individuals affected with MVK-related conditions. ClinVar contains an entry for this variant (Variation ID: 1694353). An algorithm developed to predict the effect of missense changes on protein structure and function outputs the following: PolyPhen-2: "Benign". The aspartic acid amino acid residue is found in multiple mammalian species, which suggests that this missense change does not adversely affect protein function. In summary, the available evidence is currently insufficient to determine the role of this variant in disease. Therefore, it has been classified as a Variant of Uncertain Significance.

Fulgent Genetics
Classification: Uncertain significance for Porokeratosis 3, disseminated superficial actinic type; Hyperimmunoglobulin D with periodic fever; Mevalonic aciduria. Last evaluated: 2024-05-12. Review status: criteria provided, single submitter. Criteria: ACMG Guidelines, 2015. Collection method: clinical testing. Allele origin: germline.

Genome Diagnostics Laboratory, The Hospital for Sick Children
Classification: Uncertain significance for Autoinflammatory syndrome. Last evaluated: 2022-02-25. Review status: criteria provided, single submitter. Criteria: ACMG Guidelines, 2015. Collection method: clinical testing. Allele origin: germline. Affected: yes.

NM_000431.4(MVK):c.843G>T (p.Glu281Asp)

Gene: MVK (mevalonate kinase; plus strand). Cytogenetic location: 12q24.11.
Variant type: single nucleotide variant.
Coding change: c.843G>T on transcript NM_000431.4 (MANE Select); coding-DNA position 843, G replaced by T.
Protein change: p.Glu281Asp; replaces glutamic acid 281 with aspartic acid.
Molecular consequence: missense variant.
Genome position (GRCh38, 1-based): chr12:109,591,315, G>T. VCF-style: chr12-109591315-G-T. GRCh37 (hg19) VCF-style: chr12-110029120-G-T.
Other names: c.843G>T, p.Glu281Asp (NM_001114185.3); c.687G>T, p.Glu229Asp (NM_001301182.2); short protein forms E229D, E281D.
Identifiers: ClinVar variation 1694353 (VCV001694353.5), dbSNP rs758317084, ClinGen allele CA6779390.
Genomic context (GRCh38, chr12:109,591,315, plus strand): 5'-GGCCCCCCTCCTGACCTCAATAGATGCCATCTCCCTGGAGTGTGAGCGCGTGCTGGGAGA[G>T]ATGGGGGAAGCCCCAGCCCCGGAGCAGTACCTCGTGCTGGAAGTAAGAGCCTGTCTGCAG-3'
Protein context (NP_000422.1, residues 271-291): ISLECERVLG[Glu281Asp]MGEAPAPEQY